The following is an entry in ClinVar:

NM_004369.4(COL6A3):c.7441A>G (p.Thr2481Ala)

Gene: COL6A3 (collagen type VI alpha 3 chain; minus strand). Cytogenetic location: 2q37.3.
Variant type: single nucleotide variant.
Coding change: c.7441A>G on transcript NM_004369.4 (MANE Select); coding-DNA position 7441, A replaced by G.
Protein change: p.Thr2481Ala; replaces threonine 2481 with alanine.
Molecular consequence: missense variant.
Genome position (GRCh38, 1-based): chr2:237,344,577, T>C on the plus strand (A>G on the coding strand, the complement: COL6A3 is on the minus strand). VCF-style: chr2-237344577-T-C. GRCh37 (hg19) VCF-style: chr2-238253220-T-C.
Other names: c.5620A>G, p.Thr1874Ala (NM_057166.5); c.6823A>G, p.Thr2275Ala (NM_057167.4); short protein forms T2481A, T1874A, T2275A.
Identifiers: ClinVar variation 196982 (VCV000196982.18), dbSNP rs201467603, ClinGen allele CA244844.
Genomic context (GRCh38, chr2:237,344,577, plus strand): 5'-GCTTAAATGTGTTCCTGGCCACAAACGACATGGCAGTCTCCAGACTCTGCTGTTTGGATG[T>C]CAGAGCCACCTGAAGGTTCTTAATCTTGTCCAGGAGGACCGACTTCCTCTTGGAGTCAGC-3'
Protein context (NP_004360.2, residues 2471-2491): DKIKNLQVAL[Thr2481Ala]SKQQSLETAM

ClinVar aggregate classification (germline): Conflicting classifications of pathogenicity. Review status: criteria provided, conflicting classifications (1 of 4 stars). 4 submissions from 4 submitters: Uncertain significance (3); Likely benign (1). Last evaluated 2025-07-21.

Conditions:
Bethlem myopathy 1A. Also called: MYOPATHY, BENIGN CONGENITAL, WITH CONTRACTURES; Bethlem myopathy 1; Bethlem Muscular Dystrophy. Identifiers: Orphanet 610, MedGen CN029274, MONDO:0024530, OMIM 158810.

Allele frequency attached by ClinVar (database versions not stated): gnomAD 0.00004 and 0.00006; gnomAD exomes 0.00004 and 0.00005; TOPMed 0.00005; ExAC 0.00006; ESP Exome Variant Server 0.00008; 1000 Genomes Project 30x 0.00031; 1000 Genomes Project 0.00040.
gnomAD v4.1: 89 of 1,614,216 alleles (0.0055%); highest among the groups gnomAD compares: Admixed American, 0.0083%; no homozygotes.

Submissions (4):

Labcorp Genetics (formerly Invitae), Labcorp
Classification: Likely benign for Bethlem myopathy 1A. Last evaluated: 2025-07-21. Review status: criteria provided, single submitter. Criteria: Invitae Variant Classification Sherloc (09022015). Collection method: clinical testing. Allele origin: germline.

GeneDx
Classification: Uncertain significance. Last evaluated: 2024-10-11. Review status: criteria provided, single submitter. Criteria: GeneDx Variant Classification Process June 2021. Collection method: clinical testing. Allele origin: germline. Affected: yes.
Comment: In silico analysis indicates that this missense variant does not alter protein structure/function; Has not been previously published as pathogenic or benign to our knowledge

Revvity Omics, Revvity
Classification: Uncertain significance. Last evaluated: 2021-04-16. Review status: criteria provided, single submitter. Criteria: ACMG Guidelines, 2015. Collection method: clinical testing. Allele origin: germline.

Eurofins Ntd Llc (ga)
Classification: Uncertain significance. Last evaluated: 2018-05-14. Review status: criteria provided, single submitter. Criteria: EGL ClinVar v180209 classification definitions. Collection method: clinical testing. Allele origin: germline. Observed: 3 variant alleles, 3 heterozygotes.